The following is an entry in ClinVar:

NM_005157.6(ABL1):c.437A>G (p.Asn146Ser)

Gene: ABL1 (ABL proto-oncogene 1, non-receptor tyrosine kinase; plus strand). Cytogenetic location: 9q34.12.
Variant type: single nucleotide variant.
Coding change: c.437A>G on transcript NM_005157.6 (MANE Select); coding-DNA position 437, A replaced by G.
Protein change: p.Asn146Ser; replaces asparagine 146 with serine.
Molecular consequence: missense variant.
Genome position (GRCh38, 1-based): chr9:130,854,984, A>G. VCF-style: chr9-130854984-A-G. GRCh37 (hg19) VCF-style: chr9-133730371-A-G.
Other names: c.494A>G, p.Asn165Ser (NM_007313.3); short protein forms N146S, N165S.
Identifiers: ClinVar variation 1450318 (VCV001450318.6), dbSNP rs774952482, ClinGen allele CA5285217.

ClinVar aggregate classification (germline): Uncertain significance (1 of 4 stars; one submission).

Allele frequency attached by ClinVar (database versions not stated): gnomAD exomes below 0.00001; ExAC 0.00001; gnomAD 0.00001; TOPMed 0.00001.
gnomAD v4.1: 6 of 1,614,092 alleles (0.00037%); highest among the groups gnomAD compares: African/African-American, 0.0013%; no homozygotes.

Submission:

Labcorp Genetics (formerly Invitae), Labcorp
Classification: Uncertain significance. Last evaluated: 2023-12-15. Review status: criteria provided, single submitter. Criteria: Invitae Variant Classification Sherloc (09022015). Collection method: clinical testing. Allele origin: germline.
Comment: This sequence change replaces asparagine, which is neutral and polar, with serine, which is neutral and polar, at codon 165 of the ABL1 protein (p.Asn165Ser). This variant is present in population databases (rs774952482, gnomAD 0.002%). This variant has not been reported in the literature in individuals affected with ABL1-related conditions. ClinVar contains an entry for this variant (Variation ID: 1450318). Advanced modeling of protein sequence and biophysical properties (such as structural, functional, and spatial information, amino acid conservation, physicochemical variation, residue mobility, and thermodynamic stability) performed at Invitae indicates that this missense variant is expected to disrupt ABL1 protein function with a positive predictive value of 80%. In summary, the available evidence is currently insufficient to determine the role of this variant in disease. Therefore, it has been classified as a Variant of Uncertain Significance.